The following is an entry in ClinVar:

NM_000144.5(FXN):c.460A>T (p.Ile154Phe)

Gene: FXN (frataxin; plus strand). Cytogenetic location: 9q21.11.
Variant type: single nucleotide variant.
Coding change: c.460A>T on transcript NM_000144.5 (MANE Select); coding-DNA position 460, A replaced by T.
Protein change: p.Ile154Phe; replaces isoleucine 154 with phenylalanine.
Molecular consequence: missense variant.
Genome position (GRCh38, 1-based): chr9:69,065,013, A>T. VCF-style: chr9-69065013-A-T. GRCh37 (hg19) VCF-style: chr9-71679929-A-T.
Other names: c.460A>T, p.Ile154Phe (NM_181425.3); short protein forms I154F.
Identifiers: ClinVar variation 3981 (VCV000003981.2), dbSNP rs104894106, ClinGen allele CA252964.

ClinVar aggregate classification (germline): Pathogenic. Review status: criteria provided, single submitter (1 of 4 stars). 2 submissions from 2 submitters: Pathogenic (1). 1 of the submissions does not count toward it. Last evaluated 2024-05-14.

Conditions:
Friedreich ataxia 1 (FRDA1). Identifiers: Orphanet 95, MedGen C1856689, MONDO:0100340, OMIM 229300.
Friedreich ataxia (FRDA). Also called: Friedreich's ataxia; Spinocerebellar ataxia, Friedreich; Hereditary spinal sclerosis; Hereditary spinal ataxia. Identifiers: Orphanet 95, MedGen C0016719, MONDO:0100339, MONDO:0009245.

Allele frequency attached by ClinVar (database versions not stated): gnomAD exomes below 0.00001; ExAC 0.00001.

Submissions (2):

Women's Health and Genetics/Laboratory Corporation of America, LabCorp
Classification: Pathogenic for Friedreich ataxia 1. Last evaluated: 2024-05-14. Review status: criteria provided, single submitter. Criteria: LabCorp Variant Classification Summary - May 2015. Collection method: clinical testing. Allele origin: germline.
Comment: Variant summary: FXN c.460A>T (p.Ile154Phe) results in a non-conservative amino acid change in the encoded protein sequence. Four of five in-silico tools predict a damaging effect of the variant on protein function. The variant allele was found at a frequency of 4e-06 in 251460 control chromosomes. c.460A>T has been reported in the literature in individuals affected with Friedreich Ataxia. These data indicate that the variant is likely to be associated with disease (Filla_AJHG, Sacca_2011). At least one publication reports experimental evidence evaluating an impact on protein function. The most pronounced variant effect results in significantly reduced allosteric activation in binding and activating the SDU complex via in vitro Binding/Biosynthesis assays (Tsai_2011). The following publications have been ascertained in the context of this evaluation (PMID: 8751856, 21412413, 21671584). ClinVar contains an entry for this variant (Variation ID: 3981). Based on the evidence outlined above, the variant was classified as pathogenic.

OMIM
Classification: Pathogenic for FRIEDREICH ATAXIA. Last evaluated: 2007-04-15. Review status: no assertion criteria provided. Collection method: literature only. Allele origin: germline. Not counted in ClinVar's aggregate classification.

Literature cited by the submitters: PubMed 8751856 (cited by Women's Health and Genetics/Laboratory Corporation of America, LabCorp); PubMed 21412413 (cited by Women's Health and Genetics/Laboratory Corporation of America, LabCorp); PubMed 21671584 (cited by Women's Health and Genetics/Laboratory Corporation of America, LabCorp); PubMed 8596916 (cited by OMIM); PubMed 9700204 (cited by OMIM); PubMed 17331979 (cited by OMIM).